The following is an entry in ClinVar:

ClinVar aggregate classification (germline): Likely benign (1 of 4 stars; one submission).

gnomAD v4.1: 16 of 1,614,176 alleles (0.00099%); highest among the groups gnomAD compares: Admixed American, 0.027%; no homozygotes.

Submission:

Molecular Diagnostic Laboratory for Inherited Cardiovascular Disease, Montreal Heart Institute
Classification: Likely benign. Last evaluated: 2025-04-09. Review status: criteria provided, single submitter. Criteria: ACMG Guidelines, 2015. Collection method: clinical testing. Allele origin: germline. Affected: no.
Comment: BP7

NM_001281740.3(FHOD3):c.4713G>A (p.Lys1571=)

Gene: FHOD3 (formin homology 2 domain containing 3; plus strand). Cytogenetic location: 18q12.2.
Variant type: single nucleotide variant.
Coding change: c.4713G>A on transcript NM_001281740.3 (MANE Select); coding-DNA position 4713, G replaced by A.
Protein change: p.Lys1571=; no amino-acid change (lysine 1571 retained).
Molecular consequence: synonymous variant.
Genome position (GRCh38, 1-based): chr18:36,769,353, G>A. VCF-style: chr18-36769353-G-A. GRCh37 (hg19) VCF-style: chr18-34349316-G-A.
Other names: c.4113G>A, p.Lys1371= (NM_001281739.3); c.4164G>A, p.Lys1388= (NM_025135.5).
Identifiers: ClinVar variation 3895189 (VCV003895189.1), dbSNP rs772461406.